The following is an entry in ClinVar:

NM_000079.4(CHRNA1):c.1079dup (p.Ile361fs)

Gene: CHRNA1 (cholinergic receptor nicotinic alpha 1 subunit; minus strand). Cytogenetic location: 2q31.1.
Variant type: Duplication.
Coding change: c.1079dup on transcript NM_000079.4 (MANE Select); coding-DNA position 1079, one base duplicated (A; older notation c.1079dupA).
Protein change: p.Ile361fs; shifts the reading frame from isoleucine 361.
Molecular consequence: frameshift variant.
Genome position (GRCh38, 1-based): chr2:174,748,743, T duplicated on the plus strand (A on the coding strand, the reverse complement: CHRNA1 is on the minus strand); the first of 5 consecutive T bases (chr2:174,748,743-174,748,747); duplicating any one gives the same sequence. VCF-style (leftmost placement, unchanged base first): chr2-174748742-C-CT. GRCh37 (hg19) VCF-style: chr2-175613470-C-CT.
Other names: c.1154dup, p.Ile386fs (NM_001039523.3); short protein forms I361fs, I386fs.
Identifiers: ClinVar variation 2710165 (VCV002710165.3), dbSNP rs768863116, ClinGen allele CA2697551415.

ClinVar aggregate classification (germline): Pathogenic (1 of 4 stars; one submission).

Conditions:
Lethal multiple pterygium syndrome (LMPS). Identifiers: Orphanet 33108, MedGen C1854678, MONDO:0009668, OMIM 253290.

Submission:

Labcorp Genetics (formerly Invitae), Labcorp
Classification: Pathogenic for Lethal multiple pterygium syndrome. Last evaluated: 2024-04-09. Review status: criteria provided, single submitter. Criteria: Invitae Variant Classification Sherloc (09022015). Collection method: clinical testing. Allele origin: germline.
Comment: This sequence change creates a premature translational stop signal (p.Ile361Aspfs*7) in the CHRNA1 gene. It is expected to result in an absent or disrupted protein product. Loss-of-function variants in CHRNA1 are known to be pathogenic (PMID: 14719537, 15907919, 18252226). This variant is not present in population databases (gnomAD no frequency). This variant has not been reported in the literature in individuals affected with CHRNA1-related conditions. For these reasons, this variant has been classified as Pathogenic.

Literature cited by the submitters: PubMed 14719537; PubMed 15907919; PubMed 18252226.